The following is an entry in ClinVar:

NM_022437.3(ABCG8):c.408del (p.Gln137fs)

Gene: ABCG8 (ATP binding cassette subfamily G member 8; plus strand). Cytogenetic location: 2p21.
Variant type: Deletion.
Coding change: c.408del on transcript NM_022437.3 (MANE Select); coding-DNA position 408, one base deleted (G; older notation c.408delG).
Protein change: p.Gln137fs; shifts the reading frame from glutamine 137.
Molecular consequence: frameshift variant.
Genome position (GRCh38, 1-based): chr2:43,851,669, G deleted; the last of 3 consecutive G bases (chr2:43,851,667-43,851,669); deleting any one gives the same sequence. VCF-style (leftmost placement, unchanged base first): chr2-43851666-TG-T. GRCh37 (hg19) VCF-style: chr2-44078805-TG-T.
Other names: c.408del, p.Gln137fs (NM_001357321.2); short protein forms Q137fs.
Identifiers: ClinVar variation 2150526 (VCV002150526.5), dbSNP rs770023485, ClinGen allele CA1637010.

ClinVar aggregate classification (germline): Pathogenic/Likely pathogenic. Review status: criteria provided, multiple submitters, no conflicts (2 of 4 stars). 2 submissions from 2 submitters: Pathogenic (1); Likely pathogenic (1). Last evaluated 2025-01-06.

Conditions:
Sitosterolemia 1. Identifiers: MedGen C2749759, MONDO:0020747, OMIM 210250.

Submissions (2):

Revvity Omics, Revvity
Classification: Likely pathogenic for Sitosterolemia 1. Last evaluated: 2025-01-06. Review status: criteria provided, single submitter. Criteria: ACMG Guidelines, 2015. Collection method: clinical testing. Allele origin: germline.

Labcorp Genetics (formerly Invitae), Labcorp
Classification: Pathogenic. Last evaluated: 2022-08-19. Review status: criteria provided, single submitter. Criteria: Invitae Variant Classification Sherloc (09022015). Collection method: clinical testing. Allele origin: germline.
Comment: This variant is present in population databases (rs770023485, gnomAD 0.02%). This sequence change creates a premature translational stop signal (p.Gln137Serfs*8) in the ABCG8 gene. It is expected to result in an absent or disrupted protein product. Loss-of-function variants in ABCG8 are known to be pathogenic (PMID: 11452359, 15375183, 16029460). For these reasons, this variant has been classified as Pathogenic. This variant has not been reported in the literature in individuals affected with ABCG8-related conditions.

Literature cited by the submitters: PubMed 11452359 (cited by Labcorp Genetics (formerly Invitae), Labcorp); PubMed 15375183 (cited by Labcorp Genetics (formerly Invitae), Labcorp); PubMed 16029460 (cited by Labcorp Genetics (formerly Invitae), Labcorp).